The following is an entry in ClinVar:

ClinVar aggregate classification (germline): Uncertain significance (1 of 4 stars; one submission).

Conditions:
Diabetes insipidus, nephrogenic, X-linked. Also called: Nephrogenic Diabetes Insipidus, Type I. Identifiers: Orphanet 223, MedGen C1563705, MONDO:0010581, OMIM 304800.

Submission:

MVZ Medizinische Genetik Mainz
Classification: Uncertain significance for Diabetes insipidus, nephrogenic, X-linked. Last evaluated: 2026-08-11. Review status: criteria provided, single submitter. Criteria: UK Practice Guidelines For Variant Classification V4 01 2020. Collection method: clinical testing. Allele origin: germline. Inheritance: X-linked recessive inheritance. Affected: yes. Observed: 1 variant allele.
Comment: ACMG Criteria: PP3_MOD,PS3_SUP,PM2_SUP,PP4

NM_000054.7(AVPR2):c.401C>G (p.Thr134Arg)

Gene: AVPR2 (arginine vasopressin receptor 2; plus strand). Cytogenetic location: Xq28.
Variant type: single nucleotide variant.
Coding change: c.401C>G on transcript NM_000054.7 (MANE Select); coding-DNA position 401, C replaced by G.
Protein change: p.Thr134Arg; replaces threonine 134 with arginine.
Molecular consequence: missense variant.
Genome position (GRCh38, 1-based): chrX:153,905,907, C>G. VCF-style: chrX-153905907-C-G. GRCh37 (hg19) VCF-style: chrX-153171361-C-G.
Other names: c.401C>G, p.Thr134Arg (NM_001146151.3); short protein forms T134R.
Identifiers: ClinVar variation 4887017 (VCV004887017.1).